The following is an entry in ClinVar:

NM_006009.4(TUBA1A):c.163G>A (p.Glu55Lys)

Gene: TUBA1A (tubulin alpha 1a; minus strand). Cytogenetic location: 12q13.12.
Variant type: single nucleotide variant.
Coding change: c.163G>A on transcript NM_006009.4 (MANE Select); coding-DNA position 163, G replaced by A.
Protein change: p.Glu55Lys; replaces glutamic acid 55 with lysine.
Molecular consequence: missense variant.
Genome position (GRCh38, 1-based): chr12:49,186,674, C>T on the plus strand (G>A on the coding strand, the complement: TUBA1A is on the minus strand). VCF-style: chr12-49186674-C-T. GRCh37 (hg19) VCF-style: chr12-49580457-C-T.
Other names: c.163G>A, p.Glu55Lys (NM_001270399.2); c.58G>A, p.Glu20Lys (NM_001270400.2); short protein forms E55K, E20K.
Identifiers: ClinVar variation 625472 (VCV000625472.2), dbSNP rs1565627735, ClinGen allele CA384645019.

ClinVar aggregate classification (germline): Pathogenic (1 of 4 stars; one submission).

Conditions:
Tubulinopathy. Also called: Tubulinopathies. Identifiers: MedGen CN850169, MONDO:0100153.

Submission:

Institute of Human Genetics, FAU Erlangen, Friedrich-Alexander-Universität Erlangen-Nürnberg
Classification: Pathogenic for Tubulinopathies. Last evaluated: 2018-07-01. Review status: criteria provided, single submitter. Criteria: ACMG Guidelines, 2015. Collection method: literature only. Allele origin: de novo. Affected: yes. Observed: 1 variant allele.
Comment: The c.163G>A, p.(Glu55Lys) variant has been reported as a variant of de novo origin. This variant and associated phenotype was previously reported by Morris-Rosendahl et al. Clin Genet, 2008 PMID: 18954413. Agyria-pachygyria (HP:0031883, HP:0001302); Cerebellar vermis hypoplasia (HP:0001320); Hypoplasia of the pons (HP:0012110); Hypoplastic hippocampus (HP:0025517); Dilation of lateral ventricles (HP:0006956); Congenital microcephaly (HP:0011451); Microcephaly (HP:0000252); Generalized tonic-clonic seizures (HP:0002069); Strabismus (HP:0000486)

Literature cited by the submitters: PubMed 30744660; DOI 10.1101/427948.